The following is an entry in ClinVar:

NM_002227.4(JAK1):c.1190C>T (p.Ser397Phe)

Gene: JAK1 (Janus kinase 1; minus strand). Cytogenetic location: 1p31.3.
Variant type: single nucleotide variant.
Coding change: c.1190C>T on transcript NM_002227.4 (MANE Select); coding-DNA position 1190, C replaced by T.
Protein change: p.Ser397Phe; replaces serine 397 with phenylalanine.
Molecular consequence: missense variant.
Genome position (GRCh38, 1-based): chr1:64,860,249, G>A on the plus strand (C>T on the coding strand, the complement: JAK1 is on the minus strand). VCF-style: chr1-64860249-G-A. GRCh37 (hg19) VCF-style: chr1-65325932-G-A.
Other names: c.1190C>T, p.Ser397Phe (NM_001320923.2, NM_001321852.2, NM_001321853.2 and 4 more transcripts); short protein forms S397F.
Identifiers: ClinVar variation 2870749 (VCV002870749.3), dbSNP rs2101074572, ClinGen allele CA340671696.
Genomic context (GRCh38, chr1:64,860,249, plus strand): 5'-GCTGTGAGCCGGAAGTAGCCATCTACCAGGGACACAAAGGACAAGGCCTCCTCGTGGGAA[G>A]AGAGCTTCAGTTCCTGTTGAGAGAGAAGAAATTCCCACGGTTACATCATGTCTCTATCAG-3'
Protein context (NP_002218.2, residues 387-407): QDNKKMELKL[Ser397Phe]SHEEALSFVS

ClinVar aggregate classification (germline): Uncertain significance (1 of 4 stars; one submission).

Allele frequency attached by ClinVar (database versions not stated): gnomAD exomes below 0.00001.
gnomAD v4.1: 1 of 1,604,346 alleles (0.000062%); highest among the groups gnomAD compares: Non-Finnish European, 0.000085%; no homozygotes.

Submission:

Labcorp Genetics (formerly Invitae), Labcorp
Classification: Uncertain significance. Last evaluated: 2024-06-22. Review status: criteria provided, single submitter. Criteria: Invitae Variant Classification Sherloc (09022015). Collection method: clinical testing. Allele origin: germline.
Comment: This sequence change replaces serine, which is neutral and polar, with phenylalanine, which is neutral and non-polar, at codon 397 of the JAK1 protein (p.Ser397Phe). This variant is not present in population databases (gnomAD no frequency). This variant has not been reported in the literature in individuals affected with JAK1-related conditions. Advanced modeling of protein sequence and biophysical properties (such as structural, functional, and spatial information, amino acid conservation, physicochemical variation, residue mobility, and thermodynamic stability) performed at Invitae indicates that this missense variant is not expected to disrupt JAK1 protein function with a negative predictive value of 80%. In summary, the available evidence is currently insufficient to determine the role of this variant in disease. Therefore, it has been classified as a Variant of Uncertain Significance.